The following is an entry in ClinVar:

NM_005188.4(CBL):c.1480C>T (p.Pro494Ser)

Gene: CBL (Cbl proto-oncogene; plus strand). Cytogenetic location: 11q23.3.
Variant type: single nucleotide variant.
Coding change: c.1480C>T on transcript NM_005188.4 (MANE Select); coding-DNA position 1480, C replaced by T.
Protein change: p.Pro494Ser; replaces proline 494 with serine.
Molecular consequence: missense variant.
Genome position (GRCh38, 1-based): chr11:119,285,017, C>T. VCF-style: chr11-119285017-C-T. GRCh37 (hg19) VCF-style: chr11-119155727-C-T.
Other names: short protein forms P494S.
Identifiers: ClinVar variation 3485621 (VCV003485621.2).

ClinVar aggregate classification (germline): Uncertain significance. Review status: criteria provided, multiple submitters, no conflicts (2 of 4 stars). 2 submissions from 2 submitters: Uncertain significance (2). Last evaluated 2025-04-22.

Conditions:
Cardiovascular phenotype. Identifiers: MedGen CN230736.
RASopathy. Also called: rasopathies; Noonan spectrum disorder. Identifiers: Orphanet 536391, MedGen C5555857, MONDO:0021060.

gnomAD v4.1: 2 of 1,614,126 alleles (0.00012%); highest among the groups gnomAD compares: South Asian, 0.0011%; no homozygotes.

Submissions (2):

Labcorp Genetics (formerly Invitae), Labcorp
Classification: Uncertain significance for RASopathy. Last evaluated: 2025-04-22. Review status: criteria provided, single submitter. Criteria: Invitae Variant Classification Sherloc (09022015). Collection method: clinical testing. Allele origin: germline.
Comment: This sequence change replaces proline, which is neutral and non-polar, with serine, which is neutral and polar, at codon 494 of the CBL protein (p.Pro494Ser). This variant is present in population databases (rs767559244, gnomAD 0.0009%). This variant has not been reported in the literature in individuals affected with CBL-related conditions. ClinVar contains an entry for this variant (Variation ID: 3485621). Invitae Evidence Modeling of protein sequence and biophysical properties (such as structural, functional, and spatial information, amino acid conservation, physicochemical variation, residue mobility, and thermodynamic stability) indicates that this missense variant is not expected to disrupt CBL protein function with a negative predictive value of 95%. In summary, the available evidence is currently insufficient to determine the role of this variant in disease. Therefore, it has been classified as a Variant of Uncertain Significance.

Ambry Genetics
Classification: Uncertain significance for Cardiovascular phenotype. Last evaluated: 2024-11-28. Review status: criteria provided, single submitter. Criteria: Ambry Variant Classification Scheme 2023. Collection method: clinical testing. Allele origin: germline.
Comment: The p.P494S variant (also known as c.1480C>T), located in coding exon 10 of the CBL gene, results from a C to T substitution at nucleotide position 1480. The proline at codon 494 is replaced by serine, an amino acid with similar properties. This amino acid position is conserved. In addition, the in silico prediction for this alteration is inconclusive. Based on the available evidence, the clinical significance of this variant remains unclear.